The following is an entry in ClinVar:

ClinVar aggregate classification (germline): Uncertain significance. Review status: criteria provided, multiple submitters, no conflicts (2 of 4 stars). 2 submissions from 2 submitters: Uncertain significance (2). Last evaluated 2026-03-17.

Conditions:
Inborn genetic diseases. Identifiers: MedGen C0950123, MeSH D030342.

gnomAD v4.1: 55 of 1,613,914 alleles (0.0034%); highest among the groups gnomAD compares: African/African-American, 0.057%; no homozygotes.

Submissions (2):

GeneDx
Classification: Uncertain significance. Last evaluated: 2026-03-17. Review status: criteria provided, single submitter. Criteria: GeneDx Variant Classification Process June 2021. Collection method: clinical testing. Allele origin: germline.
Comment: In silico analysis supports that this missense variant has a deleterious effect on protein structure/function; Has not been previously published as pathogenic or benign to our knowledge

Ambry Genetics
Classification: Uncertain significance for Inborn genetic diseases. Last evaluated: 2024-11-07. Review status: criteria provided, single submitter. Criteria: Ambry Variant Classification Scheme 2023. Collection method: clinical testing. Allele origin: germline.

NM_021095.4(SLC5A6):c.1180C>G (p.Arg394Gly)

Gene: SLC5A6 (solute carrier family 5 member 6; minus strand). Cytogenetic location: 2p23.3.
Variant type: single nucleotide variant.
Coding change: c.1180C>G on transcript NM_021095.4 (MANE Select); coding-DNA position 1180, C replaced by G.
Protein change: p.Arg394Gly; replaces arginine 394 with glycine.
Molecular consequence: missense variant. On other transcripts: non-coding transcript variant (1).
Genome position (GRCh38, 1-based): chr2:27,203,260, G>C on the plus strand (C>G on the coding strand, the complement: SLC5A6 is on the minus strand). VCF-style: chr2-27203260-G-C. GRCh37 (hg19) VCF-style: chr2-27426128-G-C.
Other names: short protein forms R394G.
Identifiers: ClinVar variation 3444898 (VCV003444898.2).